The following is an entry in ClinVar:

NM_000747.3(CHRNB1):c.898G>C (p.Glu300Gln)

Gene: CHRNB1 (cholinergic receptor nicotinic beta 1 subunit; plus strand). Cytogenetic location: 17p13.1.
Variant type: single nucleotide variant.
Coding change: c.898G>C on transcript NM_000747.3 (MANE Select); coding-DNA position 898, G replaced by C.
Protein change: p.Glu300Gln; replaces glutamic acid 300 with glutamine.
Molecular consequence: missense variant.
Genome position (GRCh38, 1-based): chr17:7,454,374, G>C. VCF-style: chr17-7454374-G-C. GRCh37 (hg19) VCF-style: chr17-7357693-G-C.
Other names: short protein forms E300Q.
Identifiers: ClinVar variation 948769 (VCV000948769.6), dbSNP rs945086307, ClinGen allele CA287431080.
Genomic context (GRCh38, chr17:7,454,374, plus strand): 5'-TCAATCTTTGCCCTGCTGACCCTTACTGTGTTCCTGCTGCTGCTGGCTGACAAAGTACCT[G>C]AGACCTCACTATCAGTACCCATTATTATCAAGTACCTCATGTTTACCATGGTCCTCGTCA-3'
Protein context (NP_000738.2, residues 290-310): FLLLLADKVP[Glu300Gln]TSLSVPIIIK

ClinVar aggregate classification (germline): Uncertain significance (1 of 4 stars; one submission).

Conditions:
Congenital myasthenic syndrome 2A. Also called: Myasthenic syndrome, congenital, 2a, slow-channel. Identifiers: Orphanet 590, MedGen C4225374, MONDO:0014581, OMIM 616313.

Allele frequency attached by ClinVar (database versions not stated): gnomAD exomes below 0.00001 and 0.00001; gnomAD 0.00001; TOPMed 0.00001.
gnomAD v4.1: 6 of 1,613,972 alleles (0.00037%); highest among the groups gnomAD compares: Admixed American, 0.0067%; no homozygotes.

Submission:

Labcorp Genetics (formerly Invitae), Labcorp
Classification: Uncertain significance for Congenital myasthenic syndrome 2A. Last evaluated: 2022-02-03. Review status: criteria provided, single submitter. Criteria: Invitae Variant Classification Sherloc (09022015). Collection method: clinical testing. Allele origin: germline.
Comment: In summary, the available evidence is currently insufficient to determine the role of this variant in disease. Therefore, it has been classified as a Variant of Uncertain Significance. Advanced modeling of protein sequence and biophysical properties (such as structural, functional, and spatial information, amino acid conservation, physicochemical variation, residue mobility, and thermodynamic stability) performed at Invitae indicates that this missense variant is not expected to disrupt CHRNB1 protein function. ClinVar contains an entry for this variant (Variation ID: 948769). This variant has not been reported in the literature in individuals affected with CHRNB1-related conditions. This variant is present in population databases (no rsID available, gnomAD 0.009%). This sequence change replaces glutamic acid, which is acidic and polar, with glutamine, which is neutral and polar, at codon 300 of the CHRNB1 protein (p.Glu300Gln).